The following is an entry in ClinVar:

ClinVar aggregate classification (germline): Uncertain significance (1 of 4 stars; one submission).

Submission:

GeneDx
Classification: Uncertain significance. Last evaluated: 2024-08-20. Review status: criteria provided, single submitter. Criteria: GeneDx Variant Classification Process June 2021. Collection method: clinical testing. Allele origin: germline. Affected: yes.
Comment: Not observed at significant frequency in large population cohorts (gnomAD); In silico analysis supports that this missense variant has a deleterious effect on protein structure/function; Has not been previously published as pathogenic or benign to our knowledge

NM_003024.3(ITSN1):c.4565T>C (p.Leu1522Pro)

Gene: ITSN1 (intersectin 1; plus strand). Cytogenetic location: 21q22.11.
Variant type: single nucleotide variant.
Coding change: c.4565T>C on transcript NM_003024.3 (MANE Select); coding-DNA position 4565, T replaced by C.
Protein change: p.Leu1522Pro; replaces leucine 1522 with proline.
Molecular consequence: missense variant.
Genome position (GRCh38, 1-based): chr21:33,883,560, T>C. VCF-style: chr21-33883560-T-C. GRCh37 (hg19) VCF-style: chr21-35255864-T-C.
Other names: c.4550T>C, p.Leu1517Pro (NM_001331010.2); short protein forms L1517P, L1522P.
Identifiers: ClinVar variation 3764353 (VCV003764353.1).